The following is an entry in ClinVar:

NM_001267550.2(TTN):c.98512G>C (p.Val32838Leu)

Genes: TTN (titin; minus strand), TTN-AS1 (TTN antisense RNA 1; plus strand). Cytogenetic location: 2q31.2.
Variant type: single nucleotide variant.
Coding change: c.98512G>C on transcript NM_001267550.2 (MANE Select); coding-DNA position 98512, G replaced by C.
Protein change: p.Val32838Leu; replaces valine 32838 with leucine.
Molecular consequence: missense variant. On other transcripts: non-coding transcript variant (1).
Genome position (GRCh38, 1-based): chr2:178,539,553, C>G on the plus strand (G>C on the coding strand, the complement: TTN is on the minus strand). VCF-style: chr2-178539553-C-G. GRCh37 (hg19) VCF-style: chr2-179404280-C-G.
Other names: c.93589G>C, p.Val31197Leu (NM_001256850.1); c.71317G>C, p.Val23773Leu (NM_003319.4); c.90808G>C, p.Val30270Leu (NM_133378.4); c.71692G>C, p.Val23898Leu (NM_133432.3); c.71893G>C, p.Val23965Leu (NM_133437.4); short protein forms V30270L, V32838L, V23773L, V31197L, V23898L, V23965L.
Identifiers: ClinVar variation 191839 (VCV000191839.1), dbSNP rs200318160, ClinGen allele CA237671.

ClinVar aggregate classification (germline): Uncertain significance (1 of 4 stars; one submission).

gnomAD v4.1: 12 of 1,613,688 alleles (0.00074%); no homozygotes.

Submission:

Biesecker Lab/Clinical Genomics Section, National Institutes of Health
Classification: Uncertain significance. Last evaluated: 2013-06-24. Review status: criteria provided, single submitter. Criteria: Ng et al. (Circ Cardiovasc Genet. 2013). Collection method: research. Allele origin: unknown. Observed: 1 variant allele. Study: ClinSeq.
Comment: The study set was not selected for affection status in relation to any cancer. Pathogenicity categories were based on literature curation. See Pubmed ID:23861362 for details.

Medical sequencing